The following is an entry in ClinVar:

NM_012134.3(LMOD1):c.262-16891del

Gene: LMOD1 (leiomodin 1; minus strand). Cytogenetic location: 1q32.1.
Variant type: Deletion.
Coding change: c.262-16891del on transcript NM_012134.3 (MANE Select); 16891 bases into the intron before coding-DNA position 262, one base deleted (T; older notation c.262-16891delT).
Molecular consequence: intron variant.
Genome position (GRCh38, 1-based): chr1:201,917,642, A deleted on the plus strand (T on the coding strand, the reverse complement: LMOD1 is on the minus strand); the first of 3 consecutive A bases (chr1:201,917,642-201,917,644); deleting any one gives the same sequence. VCF-style (leftmost placement, unchanged base first): chr1-201917641-TA-T. GRCh37 (hg19) VCF-style: chr1-201886769-TA-T.
Identifiers: ClinVar variation 1297910 (VCV001297910.2), dbSNP rs34091558, ClinGen allele CA35453320.
Genomic context (GRCh38, chr1:201,917,641, plus strand): 5'-TACTGGGAAGCTTGTAGCAAACCCCATTTTTGGAGAAACCGGGAAATCTCTTTGGGGAGA[TA>T]AACAAGTCACTGTAGCACTCTGCTCTCTGAAGTGCCTGGCTAGTACTTTCTGCTTCTTCA-3'

ClinVar aggregate classification (germline): Benign (1 of 4 stars; one submission).

Submission:

GeneDx
Classification: Benign. Last evaluated: 2019-04-19. Review status: criteria provided, single submitter. Criteria: GeneDx Variant Classification Process June 2021. Collection method: clinical testing. Allele origin: germline. Affected: yes.
Comment: This variant is associated with the following publications: (PMID: 30444878)